The following is an entry in ClinVar:

ClinVar aggregate classification (germline): Uncertain significance (1 of 4 stars; one submission).

Conditions:
Hereditary cancer-predisposing syndrome. Also called: Neoplastic Syndromes, Hereditary; Tumor predisposition; Hereditary neoplastic syndrome; Hereditary Cancer Syndrome. Identifiers: Orphanet 140162, MedGen C0027672, MeSH D009386, MONDO:0015356.

Submission:

Ambry Genetics
Classification: Uncertain significance for Hereditary cancer-predisposing syndrome. Last evaluated: 2026-07-06. Review status: criteria provided, single submitter. Criteria: Ambry Variant Classification Scheme 2023. Collection method: clinical testing. Allele origin: germline.
Comment: The p.Y462C variant (also known as c.1385A>G), located in coding exon 12 of the SUFU gene, results from an A to G substitution at nucleotide position 1385. The tyrosine at codon 462 is replaced by cysteine, an amino acid with highly dissimilar properties. This amino acid position is conserved. In addition, the in silico prediction for this alteration is inconclusive. Based on the available evidence, the clinical significance of this variant remains unclear.

NM_016169.4(SUFU):c.1385A>G (p.Tyr462Cys)

Gene: SUFU (SUFU negative regulator of hedgehog signaling; plus strand). Cytogenetic location: 10q24.32.
Variant type: single nucleotide variant.
Coding change: c.1385A>G on transcript NM_016169.4 (MANE Select); coding-DNA position 1385, A replaced by G.
Protein change: p.Tyr462Cys; replaces tyrosine 462 with cysteine.
Molecular consequence: missense variant.
Genome position (GRCh38, 1-based): chr10:102,630,085, A>G. VCF-style: chr10-102630085-A-G. GRCh37 (hg19) VCF-style: chr10-104389842-A-G.
Other names: short protein forms Y462C.
Identifiers: ClinVar variation 5030350 (VCV005030350.1).